The following is an entry in ClinVar:

NM_005235.3(ERBB4):c.3891G>A (p.Pro1297=)

Gene: ERBB4 (erb-b2 receptor tyrosine kinase 4; minus strand). Cytogenetic location: 2q34.
Variant type: single nucleotide variant.
Coding change: c.3891G>A on transcript NM_005235.3 (MANE Select); coding-DNA position 3891, G replaced by A.
Protein change: p.Pro1297=; no amino-acid change (proline 1297 retained).
Molecular consequence: synonymous variant.
Genome position (GRCh38, 1-based): chr2:211,383,651, C>T on the plus strand (G>A on the coding strand, the complement: ERBB4 is on the minus strand). VCF-style: chr2-211383651-C-T. GRCh37 (hg19) VCF-style: chr2-212248376-C-T.
Other names: c.3843G>A, p.Pro1281= (NM_001042599.2).
Identifiers: ClinVar variation 2165306 (VCV002165306.6), dbSNP rs758510094, ClinGen allele CA2087344.

ClinVar aggregate classification (germline): Likely benign. Review status: criteria provided, single submitter (1 of 4 stars). 2 submissions from 2 submitters: Likely benign (1). 1 of the submissions does not count toward it. Last evaluated 2025-02-12.

Conditions:
ERBB4-related disorder. Also called: ERBB4-related condition.

Allele frequency attached by ClinVar (database versions not stated): TOPMed 0.00002; gnomAD 0.00003.
gnomAD v4.1: 65 of 1,613,520 alleles (0.004%); highest among the groups gnomAD compares: South Asian, 0.049%; no homozygotes.

Submissions (2):

Labcorp Genetics (formerly Invitae), Labcorp
Classification: Likely benign. Last evaluated: 2025-02-12. Review status: criteria provided, single submitter. Criteria: Invitae Variant Classification Sherloc (09022015). Collection method: clinical testing. Allele origin: germline.

PreventionGenetics, part of Exact Sciences
Classification: Likely benign for ERBB4-related condition. Last evaluated: 2023-03-23. Review status: no assertion criteria provided. Collection method: clinical testing. Allele origin: germline. Not counted in ClinVar's aggregate classification.
Comment: This variant is classified as likely benign based on ACMG/AMP sequence variant interpretation guidelines (Richards et al. 2015 PMID: 25741868, with internal and published modifications).